The following is an entry in ClinVar:

ClinVar aggregate classification (germline): Uncertain significance (1 of 4 stars; one submission).

Conditions:
Inborn genetic diseases. Identifiers: MedGen C0950123, MeSH D030342.

gnomAD v4.1: 1 of 1,614,038 alleles (0.000062%); no homozygotes.

Submission:

Ambry Genetics
Classification: Uncertain significance for Inborn genetic diseases. Last evaluated: 2022-01-19. Review status: criteria provided, single submitter. Criteria: Ambry Variant Classification Scheme 2023. Collection method: clinical testing. Allele origin: germline.
Comment: The c.1979A>T (p.K660I) alteration is located in exon 21 (coding exon 21) of the ELAC2 gene. This alteration results from a A to T substitution at nucleotide position 1979, causing the lysine (K) at amino acid position 660 to be replaced by an isoleucine (I). This variant was not reported in population-based cohorts in the Genome Aggregation Database (gnomAD). This amino acid position is highly conserved in available vertebrate species. Using pre-mt-RNALeu(UUR) as a substrate, the p.K660I mutant was shown to have moderate impairment of kcat/KM values compared to wildtype (Saoura, 2019). In addition, primary fibroblasts from the affected individual had elevated levels of unprocessed mitochondrial RNA precursors (Saoura, 2019). The in silico prediction for this alteration is inconclusive. Based on insufficient or conflicting evidence, the clinical significance of this alteration remains unclear.

Literature cited by the submitters: PubMed 31045291.

NM_018127.7(ELAC2):c.1979A>T (p.Lys660Ile)

Gene: ELAC2 (elaC ribonuclease Z 2; minus strand). Cytogenetic location: 17p12.
Variant type: single nucleotide variant.
Coding change: c.1979A>T on transcript NM_018127.7 (MANE Select); coding-DNA position 1979, A replaced by T.
Protein change: p.Lys660Ile; replaces lysine 660 with isoleucine.
Molecular consequence: missense variant.
Genome position (GRCh38, 1-based): chr17:12,994,814, T>A on the plus strand (A>T on the coding strand, the complement: ELAC2 is on the minus strand). VCF-style: chr17-12994814-T-A. GRCh37 (hg19) VCF-style: chr17-12898131-T-A.
Other names: c.1859A>T, p.Lys620Ile (NM_001165962.2); c.1976A>T, p.Lys659Ile (NM_173717.2); short protein forms K659I, K660I, K620I.
Identifiers: ClinVar variation 2264050 (VCV002264050.2), dbSNP rs2040386026, ClinGen allele CA398223091.